The following is an entry in ClinVar:

ClinVar aggregate classification (germline): Uncertain significance. Review status: criteria provided, multiple submitters, no conflicts (2 of 4 stars). 2 submissions from 2 submitters: Uncertain significance (2). Last evaluated 2024-08-14.

Conditions:
Rhabdoid tumor predisposition syndrome 2 (RTPS2). Identifiers: Orphanet 231108, Orphanet 69077, MedGen C2750074, MONDO:0013224, OMIM 613325.

Submissions (2):

GeneDx
Classification: Uncertain significance. Last evaluated: 2024-08-14. Review status: criteria provided, single submitter. Criteria: GeneDx Variant Classification Process June 2021. Collection method: clinical testing. Allele origin: germline. Affected: yes.
Comment: Not observed at significant frequency in large population cohorts (gnomAD); In silico analysis supports that this missense variant has a deleterious effect on protein structure/function; Has not been previously published as pathogenic or benign to our knowledge; This variant is associated with the following publications: (PMID: 24658002)

Labcorp Genetics (formerly Invitae), Labcorp
Classification: Uncertain significance for Rhabdoid tumor predisposition syndrome 2. Last evaluated: 2021-10-04. Review status: criteria provided, single submitter. Criteria: Invitae Variant Classification Sherloc (09022015). Collection method: clinical testing. Allele origin: germline.
Comment: This variant has not been reported in the literature in individuals affected with SMARCA4-related conditions. This variant is not present in population databases (ExAC no frequency). This sequence change replaces histidine with asparagine at codon 1010 of the SMARCA4 protein (p.His1010Asn). The histidine residue is highly conserved and there is a small physicochemical difference between histidine and asparagine. Algorithms developed to predict the effect of missense changes on protein structure and function (SIFT, PolyPhen-2, Align-GVGD) all suggest that this variant is likely to be disruptive. In summary, the available evidence is currently insufficient to determine the role of this variant in disease. Therefore, it has been classified as a Variant of Uncertain Significance.

NM_003072.5(SMARCA4):c.3028C>A (p.His1010Asn)

Gene: SMARCA4 (SWI/SNF related BAF chromatin remodeling complex subunit ATPase 4; plus strand). Cytogenetic location: 19p13.2.
Variant type: single nucleotide variant.
Coding change: c.3028C>A on transcript NM_003072.5 (MANE Select); coding-DNA position 3028, C replaced by A.
Protein change: p.His1010Asn; replaces histidine 1010 with asparagine.
Molecular consequence: missense variant. On other transcripts: non-coding transcript variant (1).
Genome position (GRCh38, 1-based): chr19:11,024,385, C>A. VCF-style: chr19-11024385-C-A. GRCh37 (hg19) VCF-style: chr19-11135061-C-A.
Other names: c.3028C>A (NM_001128849.1); c.3028C>A, p.His1010Asn (NM_001128844.3, NM_001128845.2, NM_001128846.2 and 5 more transcripts); short protein forms H1010N.
Identifiers: ClinVar variation 1522640 (VCV001522640.6), dbSNP rs2146474042, ClinGen allele CA404058991.